The following is an entry in ClinVar:

NM_016333.4(SRRM2):c.1636A>G (p.Arg546Gly)

Gene: SRRM2 (serine/arginine repetitive matrix 2; plus strand). Cytogenetic location: 16p13.3.
Variant type: single nucleotide variant.
Coding change: c.1636A>G on transcript NM_016333.4 (MANE Select); coding-DNA position 1636, A replaced by G.
Protein change: p.Arg546Gly; replaces arginine 546 with glycine.
Molecular consequence: missense variant.
Genome position (GRCh38, 1-based): chr16:2,762,164, A>G. VCF-style: chr16-2762164-A-G. GRCh37 (hg19) VCF-style: chr16-2812165-A-G.
Other names: short protein forms R546G.
Identifiers: ClinVar variation 3572618 (VCV003572618.1).

ClinVar aggregate classification (germline): Uncertain significance (1 of 4 stars; one submission).

Submission:

GeneDx
Classification: Uncertain significance. Last evaluated: 2024-07-10. Review status: criteria provided, single submitter. Criteria: GeneDx Variant Classification Process June 2021. Collection method: clinical testing. Allele origin: germline. Affected: yes.
Comment: Not observed at significant frequency in large population cohorts (gnomAD); In silico analysis supports that this missense variant has a deleterious effect on protein structure/function; Has not been previously published as pathogenic or benign to our knowledge